The following is an entry in ClinVar:

NM_014908.4(DOLK):c.275G>C (p.Gly92Ala)

Gene: DOLK (dolichol kinase; minus strand). Cytogenetic location: 9q34.11.
Variant type: single nucleotide variant.
Coding change: c.275G>C on transcript NM_014908.4 (MANE Select); coding-DNA position 275, G replaced by C.
Protein change: p.Gly92Ala; replaces glycine 92 with alanine.
Molecular consequence: missense variant.
Genome position (GRCh38, 1-based): chr9:128,947,029, C>G on the plus strand (G>C on the coding strand, the complement: DOLK is on the minus strand). VCF-style: chr9-128947029-C-G. GRCh37 (hg19) VCF-style: chr9-131709308-C-G.
Other names: short protein forms G92A.
Identifiers: ClinVar variation 914601 (VCV000914601.5), dbSNP rs1841684568, ClinGen allele CA375127087.

ClinVar aggregate classification (germline): Uncertain significance. Review status: criteria provided, multiple submitters, no conflicts (2 of 4 stars). 2 submissions from 2 submitters: Uncertain significance (2). Last evaluated 2025-12-13.

Conditions:
DK1-congenital disorder of glycosylation. Also called: CONGENITAL DISORDER OF GLYCOSYLATION, TYPE Im; CDG Im; DK1 DEFICIENCY; DOLICHOL KINASE DEFICIENCY; DOLK-congenital disorder of glycosylation; Carbohydrate deficient glycoprotein syndrome type 1m. Identifiers: Orphanet 91131, MedGen C1835849, MONDO:0012556, OMIM 610768.

Submissions (2):

Labcorp Genetics (formerly Invitae), Labcorp
Classification: Uncertain significance for DK1-congenital disorder of glycosylation. Last evaluated: 2025-12-13. Review status: criteria provided, single submitter. Criteria: Invitae Variant Classification Sherloc (09022015). Collection method: clinical testing. Allele origin: germline.
Comment: This sequence change replaces glycine, which is neutral and non-polar, with alanine, which is neutral and non-polar, at codon 92 of the DOLK protein (p.Gly92Ala). This variant is not present in population databases (gnomAD no frequency). This variant has not been reported in the literature in individuals affected with DOLK-related conditions. ClinVar contains an entry for this variant (Variation ID: 914601). Invitae Evidence Modeling of protein sequence and biophysical properties (such as structural, functional, and spatial information, amino acid conservation, physicochemical variation, residue mobility, and thermodynamic stability) indicates that this missense variant is not expected to disrupt DOLK protein function with a negative predictive value of 80%. In summary, the available evidence is currently insufficient to determine the role of this variant in disease. Therefore, it has been classified as a Variant of Uncertain Significance.

Illumina Laboratory Services, Illumina
Classification: Uncertain significance for DK1-congenital disorder of glycosylation. Last evaluated: 2018-01-15. Review status: criteria provided, single submitter. Criteria: ICSL Variant Classification Criteria 13 December 2019. Collection method: clinical testing. Allele origin: germline.